The following is an entry in ClinVar:

NM_015331.3(NCSTN):c.73G>A (p.Val25Ile)

Gene: NCSTN (nicastrin; plus strand). Cytogenetic location: 1q23.2.
Variant type: single nucleotide variant.
Coding change: c.73G>A on transcript NM_015331.3 (MANE Select); coding-DNA position 73, G replaced by A.
Protein change: p.Val25Ile; replaces valine 25 with isoleucine.
Molecular consequence: missense variant. On other transcripts: 5 prime UTR variant (1).
Genome position (GRCh38, 1-based): chr1:160,343,469, G>A. VCF-style: chr1-160343469-G-A. GRCh37 (hg19) VCF-style: chr1-160313259-G-A.
Other names: c.-127G>A (NM_001290184.2); c.73G>A, p.Val25Ile (NM_001290186.2, NM_001349729.2); c.73G>A (NM_015331.2); short protein forms V25I.
Identifiers: ClinVar variation 1425278 (VCV001425278.7), dbSNP rs1237630488, ClinGen allele CA343274482.

ClinVar aggregate classification (germline): Uncertain significance. Review status: criteria provided, multiple submitters, no conflicts (2 of 4 stars). 2 submissions from 2 submitters: Uncertain significance (2). Last evaluated 2025-08-04.

Conditions:
Inborn genetic diseases. Identifiers: MedGen C0950123, MeSH D030342.

Allele frequency attached by ClinVar (database versions not stated): gnomAD exomes below 0.00001; TOPMed below 0.00001.
gnomAD v4.1: 9 of 1,609,930 alleles (0.00056%); highest among the groups gnomAD compares: Non-Finnish European, 0.00076%; no homozygotes.

Submissions (2):

Ambry Genetics
Classification: Uncertain significance for Inborn genetic diseases. Last evaluated: 2025-08-04. Review status: criteria provided, single submitter. Criteria: Ambry Variant Classification Scheme 2023. Collection method: clinical testing. Allele origin: germline.

Labcorp Genetics (formerly Invitae), Labcorp
Classification: Uncertain significance. Last evaluated: 2025-03-24. Review status: criteria provided, single submitter. Criteria: Invitae Variant Classification Sherloc (09022015). Collection method: clinical testing. Allele origin: germline.
Comment: This sequence change replaces valine, which is neutral and non-polar, with isoleucine, which is neutral and non-polar, at codon 25 of the NCSTN protein (p.Val25Ile). This variant is present in population databases (no rsID available, gnomAD 0.0009%). This variant has not been reported in the literature in individuals affected with NCSTN-related conditions. ClinVar contains an entry for this variant (Variation ID: 1425278). Invitae Evidence Modeling of protein sequence and biophysical properties (such as structural, functional, and spatial information, amino acid conservation, physicochemical variation, residue mobility, and thermodynamic stability) indicates that this missense variant is not expected to disrupt NCSTN protein function with a negative predictive value of 80%. In summary, the available evidence is currently insufficient to determine the role of this variant in disease. Therefore, it has been classified as a Variant of Uncertain Significance.